The following is an entry in ClinVar:

NM_005585.5(SMAD6):c.157G>T (p.Gly53Ter)

Gene: SMAD6 (SMAD family member 6; plus strand). Cytogenetic location: 15q22.31.
Variant type: single nucleotide variant.
Coding change: c.157G>T on transcript NM_005585.5 (MANE Select); coding-DNA position 157, G replaced by T.
Protein change: p.Gly53Ter; replaces glycine 53 with a stop codon.
Molecular consequence: nonsense. On other transcripts: non-coding transcript variant (1).
Genome position (GRCh38, 1-based): chr15:66,703,415, G>T. VCF-style: chr15-66703415-G-T. GRCh37 (hg19) VCF-style: chr15-66995753-G-T.
Other names: short protein forms G53*.
Identifiers: ClinVar variation 3236099 (VCV003236099.1), dbSNP rs1325349483, ClinGen allele CA392948748.

ClinVar aggregate classification (germline): Likely pathogenic (1 of 4 stars; one submission).

Conditions:
Aortic valve disease 2 (AOVD2). Identifiers: MedGen C3542024, MONDO:0013902, OMIM 614823.

gnomAD v4.1: 2 of 1,344,004 alleles (0.00015%); highest among the groups gnomAD compares: Non-Finnish European, 0.00019%; no homozygotes.

Submission:

MVZ Medizinische Genetik Mainz
Classification: Likely pathogenic for Aortic valve disease 2. Last evaluated: 2022-08-09. Review status: criteria provided, single submitter. Criteria: UK Practice Guidelines For Variant Classification V4 01 2020. Collection method: clinical testing. Allele origin: germline. Inheritance: Autosomal dominant inheritance. Affected: yes. Observed: 1 variant allele.
Comment: ACMG Criteria: PVS1, PM2_SUP